The following is an entry in ClinVar:

NM_000059.4(BRCA2):c.1487C>A (p.Ser496Tyr)

Gene: BRCA2 (BRCA2 DNA repair associated; plus strand). Cytogenetic location: 13q13.1.
Variant type: single nucleotide variant.
Coding change: c.1487C>A on transcript NM_000059.4 (MANE Select); coding-DNA position 1487, C replaced by A.
Protein change: p.Ser496Tyr; replaces serine 496 with tyrosine.
Molecular consequence: missense variant.
Genome position (GRCh38, 1-based): chr13:32,332,965, C>A. VCF-style: chr13-32332965-C-A. GRCh37 (hg19) VCF-style: chr13-32907102-C-A.
Other names: c.1487C>A, p.Ser496Tyr (NM_001406719.1, NM_001406720.1, NM_001406721.1); short protein forms S496Y.
Identifiers: ClinVar variation 1773689 (VCV001773689.4), dbSNP rs397507269, ClinGen allele CA387764441.

ClinVar aggregate classification (germline): Conflicting classifications of pathogenicity. Review status: criteria provided, conflicting classifications (1 of 4 stars). 2 submissions from 2 submitters: Uncertain significance (1); Likely benign (1). Last evaluated 2023-03-23.

Conditions:
Hereditary cancer-predisposing syndrome. Also called: Hereditary Cancer Syndrome; Hereditary neoplastic syndrome; Neoplastic Syndromes, Hereditary; Tumor predisposition. Identifiers: Orphanet 140162, MedGen C0027672, MeSH D009386, MONDO:0015356.

Submissions (2):

University of Washington Department of Laboratory Medicine, University of Washington
Classification: Likely benign for Hereditary cancer-predisposing syndrome. Last evaluated: 2023-03-23. Review status: criteria provided, single submitter. Criteria: Dines et al. (Genet Med. 2020). Collection method: curation. Allele origin: germline.
Comment: Missense variant in a coldspot region where missense variants are very unlikely to be pathogenic (PMID:31911673).

BRCA2 exon 10 coldspot. Reclassification based on statistical prior probability.

Ambry Genetics
Classification: Uncertain significance for Hereditary cancer-predisposing syndrome. Last evaluated: 2021-12-11. Review status: criteria provided, single submitter. Criteria: Ambry Variant Classification Scheme 2023. Collection method: clinical testing. Allele origin: germline.
Comment: The p.S496Y variant (also known as c.1487C>A), located in coding exon 9 of the BRCA2 gene, results from a C to A substitution at nucleotide position 1487. The serine at codon 496 is replaced by tyrosine, an amino acid with dissimilar properties. This amino acid position is conserved. In addition, this alteration is predicted to be tolerated by in silico analysis. Since supporting evidence is limited at this time, the clinical significance of this alteration remains unclear.